The following is an entry in ClinVar:

ClinVar aggregate classification (germline): Uncertain significance (1 of 4 stars; one submission).

Submission:

Labcorp Genetics (formerly Invitae), Labcorp
Classification: Uncertain significance. Last evaluated: 2022-10-04. Review status: criteria provided, single submitter. Criteria: Invitae Variant Classification Sherloc (09022015). Collection method: clinical testing. Allele origin: unknown.
Comment: In summary, the available evidence is currently insufficient to determine the role of this variant in disease. Therefore, it has been classified as a Variant of Uncertain Significance. Variants that disrupt the consensus splice site are a relatively common cause of aberrant splicing (PMID: 17576681, 9536098). Experimental studies and prediction algorithms are not available or were not evaluated, and the effect of this variant on mRNA splicing is currently unknown. This variant has not been reported in the literature in individuals affected with LRIT3-related conditions. This variant results in the deletion of part of exon 3 (c.886_896-675del) of the LRIT3 gene. It affects a nucleotide within the consensus splice site.

Literature cited by the submitters: PubMed 17576681; PubMed 9536098.

NC_000004.11:g.(?_110789093)_(110790126_?)del

Gene: LRIT3 (leucine rich repeat, Ig-like and transmembrane domains 3; plus strand). Cytogenetic location: 4q25.
Variant type: Deletion.
Identifiers: ClinVar variation 3246779 (VCV003246779.1).